The following is an entry in ClinVar:

NM_001372.4(DNAH9):c.1006C>T (p.Arg336Trp)

Gene: DNAH9 (dynein axonemal heavy chain 9; plus strand). Cytogenetic location: 17p12.
Variant type: single nucleotide variant.
Coding change: c.1006C>T on transcript NM_001372.4 (MANE Select); coding-DNA position 1006, C replaced by T.
Protein change: p.Arg336Trp; replaces arginine 336 with tryptophan.
Molecular consequence: missense variant.
Genome position (GRCh38, 1-based): chr17:11,617,512, C>T. VCF-style: chr17-11617512-C-T. GRCh37 (hg19) VCF-style: chr17-11520829-C-T.
Other names: short protein forms R336W.
Identifiers: ClinVar variation 1486402 (VCV001486402.6), dbSNP rs199639850, ClinGen allele CA8394730.
Genomic context (GRCh38, chr17:11,617,512, plus strand): 5'-CTCCAGCGCCACCTGGAAGCTCTGGAGAATGCAGAATTTCCGGAGGTGAAGCCCCAGCTG[C>T]GGCCCCTGCTCCACGTGGTCTGTCTGATTTGGGCCACATGCAAGTCCTACCGCTCCCCGG-3'
Protein context (NP_001363.2, residues 326-346): AEFPEVKPQL[Arg336Trp]PLLHVVCLIW

ClinVar aggregate classification (germline): Uncertain significance (1 of 4 stars; one submission).

Allele frequency attached by ClinVar (database versions not stated): gnomAD 0.00001 and 0.00003; gnomAD exomes 0.00001; TOPMed 0.00001; ExAC 0.00003; 1000 Genomes Project 30x 0.00016; 1000 Genomes Project 0.00020.

Submission:

Labcorp Genetics (formerly Invitae), Labcorp
Classification: Uncertain significance. Last evaluated: 2021-08-17. Review status: criteria provided, single submitter. Criteria: Invitae Variant Classification Sherloc (09022015). Collection method: clinical testing. Allele origin: germline.
Comment: In summary, the available evidence is currently insufficient to determine the role of this variant in disease. Therefore, it has been classified as a Variant of Uncertain Significance. Algorithms developed to predict the effect of missense changes on protein structure and function output the following: SIFT: "Deleterious"; PolyPhen-2: "Benign"; Align-GVGD: "Class C0". The tryptophan amino acid residue is found in multiple mammalian species, which suggests that this missense change does not adversely affect protein function. This variant has not been reported in the literature in individuals affected with DNAH9-related conditions. This variant is present in population databases (rs199639850, ExAC 0.03%). This sequence change replaces arginine with tryptophan at codon 336 of the DNAH9 protein (p.Arg336Trp). The arginine residue is weakly conserved and there is a moderate physicochemical difference between arginine and tryptophan.